The following is an entry in ClinVar:

NM_005992.1(TBX1):c.1021G>C (p.Glu341Gln)

Gene: TBX1 (T-box transcription factor 1; plus strand). Cytogenetic location: 22q11.21.
Variant type: single nucleotide variant.
Coding change: c.1021G>C on transcript NM_005992.1; coding-DNA position 1021, G replaced by C.
Protein change: p.Glu341Gln; replaces glutamic acid 341 with glutamine.
Molecular consequence: missense variant.
Genome position (GRCh38, 1-based): chr22:19,782,924, G>C. VCF-style: chr22-19782924-G-C. GRCh37 (hg19) VCF-style: chr22-19770447-G-C.
Other names: short protein forms E341Q.
Identifiers: ClinVar variation 3053043 (VCV003053043.3), dbSNP rs537289976, ClinGen allele CA10102885.

ClinVar aggregate classification (germline): Likely benign. Review status: criteria provided, single submitter (1 of 4 stars). 2 submissions from 2 submitters: Likely benign (1). 1 of the submissions does not count toward it. Last evaluated 2024-10-04.

Conditions:
TBX1-related disorder. Also called: TBX1-Related Disorders; TBX1-related condition.

Allele frequency attached by ClinVar (database versions not stated): gnomAD 0.00010; 1000 Genomes Project 30x 0.00109; 1000 Genomes Project 0.00100.
gnomAD v4.1: 481 of 1,613,172 alleles (0.03%); highest among the groups gnomAD compares: South Asian, 0.49%; 4 homozygotes.

Submissions (2):

Blueprint Genetics
Classification: Likely benign. Last evaluated: 2024-10-04. Review status: criteria provided, single submitter. Criteria: ACMG Guidelines, 2015. Collection method: clinical testing. Allele origin: germline.

PreventionGenetics, part of Exact Sciences
Classification: Likely benign for TBX1-related condition. Last evaluated: 2020-04-09. Review status: no assertion criteria provided. Collection method: clinical testing. Allele origin: germline. Not counted in ClinVar's aggregate classification.
Comment: This variant is classified as likely benign based on ACMG/AMP sequence variant interpretation guidelines (Richards et al. 2015 PMID: 25741868, with internal and published modifications).